The following is an entry in ClinVar:

NM_001366521.1(ATP2B1):c.2135_2140del (p.Ile712_Asn713del)

Gene: ATP2B1 (ATPase plasma membrane Ca2+ transporting 1; minus strand). Cytogenetic location: 12q21.33.
Variant type: Deletion.
Coding change: c.2135_2140del on transcript NM_001366521.1 (MANE Select); coding-DNA positions 2135 to 2140, 6 bases deleted (TTAATA; older notation c.2135_2140delTTAATA).
Protein change: p.Ile712_Asn713del.
Molecular consequence: inframe deletion. On other transcripts: non-coding transcript variant (3).
Genome position (GRCh38, 1-based): chr12:89,611,300-89,611,305, TATTAA deleted on the plus strand (TTAATA on the coding strand, the reverse complement: ATP2B1 is on the minus strand); deleting any 6 consecutive bases within chr12:89,611,300-89,611,310 gives the same sequence; the c. name uses the placement nearest the transcript's 3' end. VCF-style (leftmost placement, unchanged base first): chr12-89611299-GTATTAA-G. GRCh37 (hg19) VCF-style: chr12-90005076-GTATTAA-G.
Other names: c.2135_2140del, p.Ile712_Asn713del (NM_001366523.1, NM_001366524.1, NM_001366525.1 and 12 more transcripts); c.1937_1942del, p.Ile646_Asn647del (NM_001366530.1, NM_001413053.1); c.1574_1579del, p.Ile525_Asn526del (NM_001366531.1, NM_001366532.1, NM_001413058.1 and 2 more transcripts); c.2096_2101del, p.Ile699_Asn700del (NM_001413048.1); c.1994_1999del, p.Ile665_Asn666del (NM_001413051.1, NM_001413052.1, NM_001413055.1); c.1892_1897del, p.Ile631_Asn632del (NM_001413054.1); c.1880_1885del, p.Ile627_Asn628del (NM_001413056.1); c.1682_1687del, p.Ile561_Asn562del (NM_001413057.1).
Identifiers: ClinVar variation 5037663 (VCV005037663.1).
Genomic context (GRCh38, chr12:89,611,299, plus strand): 5'-AGGCACAGAAAATCTTCCCCAGGATGTAAAATACCACATTTGGTAGCAATGGCCCGAGCA[GTATTAA>G]TATTATCACCAGTGACCATCCGCACAGTAATTCCAGCCCTCTGACACTTTTTAATTGCAT-3'

ClinVar aggregate classification (germline): Uncertain significance (1 of 4 stars; one submission).

Submission:

GeneDx
Classification: Uncertain significance. Last evaluated: 2026-04-26. Review status: criteria provided, single submitter. Criteria: GeneDx Variant Classification Process June 2021. Collection method: clinical testing. Allele origin: germline.
Comment: Not observed at significant frequency in large population cohorts (gnomAD); In-frame deletion of 2 amino acids in a non-repeat region; In silico analysis suggests that this variant does not alter protein structure/function; Has not been previously published as pathogenic or benign to our knowledge